The following is an entry in ClinVar:

ClinVar aggregate classification (germline): Pathogenic (1 of 4 stars; one submission).

Submission:

GeneDx
Classification: Pathogenic. Last evaluated: 2025-07-01. Review status: criteria provided, single submitter. Criteria: GeneDx Variant Classification Process June 2021. Collection method: clinical testing. Allele origin: germline. Affected: yes.
Comment: Not observed at significant frequency in large population cohorts (gnomAD); Missense variants in this gene are a common cause of disease and they are underrepresented in the general population; In silico analysis supports that this missense variant has a deleterious effect on protein structure/function; Has not been previously published as pathogenic or benign to our knowledge; This variant is associated with the following publications: (PMID: 27010057)

NM_178012.5(TUBB2B):c.844C>G (p.Arg282Gly)

Gene: TUBB2B (tubulin beta 2B class IIb; minus strand). Cytogenetic location: 6p25.2.
Variant type: single nucleotide variant.
Coding change: c.844C>G on transcript NM_178012.5 (MANE Select); coding-DNA position 844, C replaced by G.
Protein change: p.Arg282Gly; replaces arginine 282 with glycine.
Molecular consequence: missense variant.
Genome position (GRCh38, 1-based): chr6:3,225,245, G>C on the plus strand (C>G on the coding strand, the complement: TUBB2B is on the minus strand). VCF-style: chr6-3225245-G-C. GRCh37 (hg19) VCF-style: chr6-3225479-G-C.
Other names: short protein forms R282G.
Identifiers: ClinVar variation 3780999 (VCV003780999.2).